The following is an entry in ClinVar:

NM_003036.4(SKI):c.1544C>G (p.Ser515Cys)

Gene: SKI (SKI proto-oncogene; plus strand). Cytogenetic location: 1p36.32.
Variant type: single nucleotide variant.
Coding change: c.1544C>G on transcript NM_003036.4 (MANE Select); coding-DNA position 1544, C replaced by G.
Protein change: p.Ser515Cys; replaces serine 515 with cysteine.
Molecular consequence: missense variant.
Genome position (GRCh38, 1-based): chr1:2,304,362, C>G. VCF-style: chr1-2304362-C-G. GRCh37 (hg19) VCF-style: chr1-2235801-C-G.
Other names: short protein forms S515C.
Identifiers: ClinVar variation 4529601 (VCV004529601.2).

ClinVar aggregate classification (germline): Conflicting classifications of pathogenicity. Review status: criteria provided, conflicting classifications (1 of 4 stars). 2 submissions from 2 submitters: Uncertain significance (1); Likely benign (1). Last evaluated 2026-01-18.

Conditions:
Shprintzen-Goldberg syndrome (SGS). Also called: SHPRINTZEN-GOLDBERG CRANIOSYNOSTOSIS SYNDROME; CRANIOSYNOSTOSIS WITH ARACHNODACTYLY AND ABDOMINAL HERNIAS; Marfanoid disorder with craniosynostosis type 1; Marfanoid craniosynostosis syndrome; Shprintzen-Goldberg marfanoid syndrome. Identifiers: Orphanet 2462, MedGen C1321551, MONDO:0008426, OMIM 182212.

gnomAD v4.1: 2 of 1,551,724 alleles (0.00013%); highest among the groups gnomAD compares: East Asian, 0.0024%; no homozygotes.

Submissions (2):

Labcorp Genetics (formerly Invitae), Labcorp
Classification: Likely benign for Shprintzen-Goldberg syndrome. Last evaluated: 2026-01-18. Review status: criteria provided, single submitter. Criteria: Invitae Variant Classification Sherloc (09022015). Collection method: clinical testing. Allele origin: germline.

GeneDx
Classification: Uncertain significance. Last evaluated: 2025-05-15. Review status: criteria provided, single submitter. Criteria: GeneDx Variant Classification Process June 2021. Collection method: clinical testing. Allele origin: germline. Affected: yes.
Comment: In silico analysis suggests that this missense variant does not alter protein structure/function; Has not been previously published as pathogenic or benign to our knowledge